The following is an entry in ClinVar:

ClinVar aggregate classification (germline): Uncertain significance (1 of 4 stars; one submission).

Submission:

Labcorp Genetics (formerly Invitae), Labcorp
Classification: Uncertain significance. Last evaluated: 2023-10-03. Review status: criteria provided, single submitter. Criteria: Invitae Variant Classification Sherloc (09022015). Collection method: clinical testing. Allele origin: germline.
Comment: This sequence change replaces proline, which is neutral and non-polar, with arginine, which is basic and polar, at codon 1815 of the KMT2E protein (p.Pro1815Arg). This variant is not present in population databases (gnomAD no frequency). This variant has not been reported in the literature in individuals affected with KMT2E-related conditions. ClinVar contains an entry for this variant (Variation ID: 2116825). An algorithm developed to predict the effect of missense changes on protein structure and function (PolyPhen-2) suggests that this variant is likely to be disruptive. In summary, the available evidence is currently insufficient to determine the role of this variant in disease. Therefore, it has been classified as a Variant of Uncertain Significance.

NM_182931.3(KMT2E):c.5444C>G (p.Pro1815Arg)

Gene: KMT2E (lysine methyltransferase 2E (inactive); plus strand). Cytogenetic location: 7q22.3.
Variant type: single nucleotide variant.
Coding change: c.5444C>G on transcript NM_182931.3 (MANE Select); coding-DNA position 5444, C replaced by G.
Protein change: p.Pro1815Arg; replaces proline 1815 with arginine.
Molecular consequence: missense variant.
Genome position (GRCh38, 1-based): chr7:105,113,200, C>G. VCF-style: chr7-105113200-C-G. GRCh37 (hg19) VCF-style: chr7-104753647-C-G.
Other names: c.5318C>G, p.Pro1773Arg (NM_001410908.1); c.5444C>G, p.Pro1815Arg (NM_018682.4); short protein forms P1815R, P1773R.
Identifiers: ClinVar variation 2116825 (VCV002116825.4), dbSNP rs775751454, ClinGen allele CA368795203.
Genomic context (GRCh38, chr7:105,113,200, plus strand): 5'-TCCAGCCCCAAGGACCAAACAGTATTCCAACACCTACTGCTTCAGGGTTCTGTCCTCATC[C>G]TGGCTCTGTGGCCCTGCCACATGGGGTTCAAGGACCTCAGCAGGCATCTCCAGTGCCTGG-3'
Protein context (NP_891847.1, residues 1805-1825): TPTASGFCPH[Pro1815Arg]GSVALPHGVQ